The following is an entry in ClinVar:

ClinVar aggregate classification (germline): Likely benign. Review status: criteria provided, multiple submitters, no conflicts (2 of 4 stars). 4 submissions from 4 submitters: Likely benign (3). 1 of the submissions does not count toward it. Last evaluated 2026-01-11.

Conditions:
Mucopolysaccharidosis, MPS-III-D (MPS3D). Also called: MPS III D; Mucopoly-saccharidosis type 3D; N-acetylglucosamine-6-sulfate sulfatase deficiency; MPS 3D; N-ACETYLGLUCOSAMINE-6-SULFATASE DEFICIENCY; SANFILIPPO SYNDROME D. Identifiers: Orphanet 581, Orphanet 79272, MedGen C0086650, MONDO:0009658, OMIM 252940.
GNS-related disorder. Also called: GNS-related condition.

Allele frequency attached by ClinVar (database versions not stated): gnomAD 0.00002 and 0.00003; gnomAD exomes 0.00002 and 0.00004; TOPMed 0.00002; ExAC 0.00003.
gnomAD v4.1: 41 of 1,538,850 alleles (0.0027%); highest among the groups gnomAD compares: Middle Eastern, 0.084%; no homozygotes.

Submissions (4):

Labcorp Genetics (formerly Invitae), Labcorp
Classification: Likely benign for Mucopolysaccharidosis, MPS-III-D. Last evaluated: 2026-01-11. Review status: criteria provided, single submitter. Criteria: Invitae Variant Classification Sherloc (09022015). Collection method: clinical testing. Allele origin: germline.

Blueprint Genetics
Classification: Likely benign. Last evaluated: 2023-02-13. Review status: criteria provided, single submitter. Criteria: ACMG Guidelines, 2015. Collection method: clinical testing. Allele origin: germline.

Breakthrough Genomics
Classification: Likely benign. Review status: criteria provided, single submitter. Criteria: ACMG Guidelines, 2015. Collection method: not provided. Allele origin: germline. Inheritance: Autosomal recessive inheritance. Affected: yes.

PreventionGenetics, part of Exact Sciences
Classification: Likely benign for GNS-related condition. Last evaluated: 2019-03-05. Review status: no assertion criteria provided. Collection method: clinical testing. Allele origin: germline. Not counted in ClinVar's aggregate classification.
Comment: This variant is classified as likely benign based on ACMG/AMP sequence variant interpretation guidelines (Richards et al. 2015 PMID: 25741868, with internal and published modifications).

NM_002076.4(GNS):c.1189T>C (p.Leu397=)

Gene: GNS (glucosamine (N-acetyl)-6-sulfatase; minus strand). Cytogenetic location: 12q14.3.
Variant type: single nucleotide variant.
Coding change: c.1189T>C on transcript NM_002076.4 (MANE Select); coding-DNA position 1189, T replaced by C.
Protein change: p.Leu397=; no amino-acid change (leucine 397 retained).
Molecular consequence: synonymous variant.
Genome position (GRCh38, 1-based): chr12:64,728,967, A>G on the plus strand (T>C on the coding strand, the complement: GNS is on the minus strand). VCF-style: chr12-64728967-A-G. GRCh37 (hg19) VCF-style: chr12-65122747-A-G.
Other names: c.1189T>C (NM_002076.3).
Identifiers: ClinVar variation 1159472 (VCV001159472.13), dbSNP rs773031063, ClinGen allele CA6669735.
Genomic context (GRCh38, chr12:64,728,967, plus strand): 5'-GAATTTATTGCGGTCTTGGCTCAGGCCTGATTGAGGGCGCTATACTTACCAAAATGGGCA[A>G]TAAGGACATCCCATCCATCTGTGTCTTATTTAGGTCGTAGCCAGCAATGTCCAAAATAGT-3'
Protein context (NP_002067.1, residues 387-407): NKTQMDGMSL[Leu397=]PILRGASNLT